The following is an entry in ClinVar:

NM_001256012.3(MYH10):c.5951T>G (p.Leu1984Arg)

Gene: MYH10 (myosin heavy chain 10; minus strand). Cytogenetic location: 17p13.1.
Variant type: single nucleotide variant.
Coding change: c.5951T>G on transcript NM_001256012.3 (MANE Select); coding-DNA position 5951, T replaced by G.
Protein change: p.Leu1984Arg; replaces leucine 1984 with arginine.
Molecular consequence: missense variant.
Genome position (GRCh38, 1-based): chr17:8,475,877, A>C on the plus strand (T>G on the coding strand, the complement: MYH10 is on the minus strand). VCF-style: chr17-8475877-A-C. GRCh37 (hg19) VCF-style: chr17-8379195-A-C.
Other names: c.5885T>G, p.Leu1962Arg (NM_001256095.2); c.5888T>G, p.Leu1963Arg (NM_001375266.1); c.5858T>G, p.Leu1953Arg (NM_005964.5); short protein forms L1963R, L1953R, L1962R, L1984R.
Identifiers: ClinVar variation 5001002 (VCV005001002.1).
Genomic context (GRCh38, chr17:8,475,877, plus strand): 5'-GGTGGCTGCGTCTCGTTGACATCACTGGTCTTACTTTCTGTGTCATCGTCGGAGAGCTCC[A>C]GGGAAGCTCCTTCAAGGTGCAGCTGGCGCCGGCCAGATCGGCTGGAAGAGAAGCTGATGG-3'
Protein context (NP_001242941.1, residues 1974-1994): RRQLHLEGAS[Leu1984Arg]ELSDDDTESK

ClinVar aggregate classification (germline): Uncertain significance (1 of 4 stars; one submission).

Conditions:
MYH10-related disorder. Also called: MYH10-related condition.

Submission:

PreventionGenetics, part of Exact Sciences
Classification: Uncertain significance for MYH10-related condition. Last evaluated: 2024-12-03. Review status: criteria provided, single submitter. Criteria: ACMG Guidelines, 2015. Collection method: clinical testing. Allele origin: germline.
Comment: The MYH10 c.5951T>G variant is predicted to result in the amino acid substitution p.Leu1984Arg. To our knowledge, this variant has not been reported in the literature or in a large population database (gnomAD), indicating this variant is rare. At this time, the clinical significance of this variant is uncertain due to the absence of conclusive functional and genetic evidence.